The following is an entry in ClinVar:

ClinVar aggregate classification (germline): Uncertain significance (1 of 4 stars; one submission).

Allele frequency attached by ClinVar (database versions not stated): gnomAD 0.00001; ExAC 0.00002.
gnomAD v4.1: 13 of 1,611,640 alleles (0.00081%); highest among the groups gnomAD compares: Middle Eastern, 0.016%; no homozygotes.

Submission:

Labcorp Genetics (formerly Invitae), Labcorp
Classification: Uncertain significance. Last evaluated: 2022-10-20. Review status: criteria provided, single submitter. Criteria: Invitae Variant Classification Sherloc (09022015). Collection method: clinical testing. Allele origin: germline.
Comment: Algorithms developed to predict the effect of missense changes on protein structure and function (SIFT, PolyPhen-2, Align-GVGD) all suggest that this variant is likely to be tolerated. In summary, the available evidence is currently insufficient to determine the role of this variant in disease. Therefore, it has been classified as a Variant of Uncertain Significance. This variant has not been reported in the literature in individuals affected with SBF1-related conditions. This variant is present in population databases (rs746226600, gnomAD 0.007%). This sequence change replaces arginine, which is basic and polar, with histidine, which is basic and polar, at codon 1717 of the SBF1 protein (p.Arg1717His).

NM_002972.4(SBF1):c.5150G>A (p.Arg1717His)

Gene: SBF1 (SET binding factor 1; minus strand). Cytogenetic location: 22q13.33.
Variant type: single nucleotide variant.
Coding change: c.5150G>A on transcript NM_002972.4 (MANE Select); coding-DNA position 5150, G replaced by A.
Protein change: p.Arg1717His; replaces arginine 1717 with histidine.
Molecular consequence: missense variant.
Genome position (GRCh38, 1-based): chr22:50,448,544, C>T on the plus strand (G>A on the coding strand, the complement: SBF1 is on the minus strand). VCF-style: chr22-50448544-C-T. GRCh37 (hg19) VCF-style: chr22-50886973-C-T.
Other names: c.5075G>A, p.Arg1692His (NM_001365819.1); c.5153G>A, p.Arg1718His (NM_001410794.1); c.5072G>A, p.Arg1691His (NM_001410795.1); c.5150G>A, p.Arg1717His (NM_197971.1); short protein forms R1718H, R1692H, R1717H, R1691H.
Identifiers: ClinVar variation 2036311 (VCV002036311.4), dbSNP rs746226600, ClinGen allele CA10315977.
Genomic context (GRCh38, chr22:50,448,544, plus strand): 5'-GACTCCACTTTCTCCCAGCAACACGCCCACCGTGGACGCTCACACTGGCCCTCACTCACA[C>T]GGCCGTCTGGCCGGCCCTCGAGGCGCTGTGCAGCCTTCACCCGGTCCCAGGTGTCCTTCC-3'
Protein context (NP_002963.2, residues 1707-1727): AQRLEGRPDG[Arg1717His]GTPSSLLVST